The following is an entry in ClinVar:

NM_033409.4(SLC52A3):c.945C>T (p.Asn315=)

Gene: SLC52A3 (solute carrier family 52 member 3; minus strand). Cytogenetic location: 20p13.
Variant type: single nucleotide variant.
Coding change: c.945C>T on transcript NM_033409.4 (MANE Select); coding-DNA position 945, C replaced by T.
Protein change: p.Asn315=; no amino-acid change (asparagine 315 retained).
Molecular consequence: synonymous variant.
Genome position (GRCh38, 1-based): chr20:763,626, G>A on the plus strand (C>T on the coding strand, the complement: SLC52A3 is on the minus strand). VCF-style: chr20-763626-G-A. GRCh37 (hg19) VCF-style: chr20-744270-G-A.
Other names: p.Asn315=; c.945C>T, p.Asn315= (NM_001370085.1, NM_001370086.1).
Identifiers: ClinVar variation 476619 (VCV000476619.20), dbSNP rs139430185, ClinGen allele CA9724644.

ClinVar aggregate classification (germline): Likely benign. Review status: criteria provided, multiple submitters, no conflicts (2 of 4 stars). 6 submissions from 6 submitters: Likely benign (6). Last evaluated 2026-01-04.

Conditions:
SLC52A3-related disorder. Also called: SLC52A3-related condition.
Inborn genetic diseases. Identifiers: MedGen C0950123, MeSH D030342.
Brown-Vialetto-van Laere syndrome 1. Also called: BROWN-VIALETTO-VAN LAERE SYNDROME 1, MILD; BULBAR PALSY, PROGRESSIVE, WITH SENSORINEURAL DEAFNESS; PONTOBULBAR PALSY WITH DEAFNESS. Identifiers: Orphanet 572550, Orphanet 97229, MedGen C0796274, MONDO:0024537, OMIM 211530.

Allele frequency attached by ClinVar (database versions not stated): gnomAD 0.00023 and 0.00021; ESP Exome Variant Server 0.00031; gnomAD exomes 0.00023 and 0.00037; TOPMed 0.00022; ExAC 0.00027.
gnomAD v4.1: 567 of 1,614,102 alleles (0.035%); highest among the groups gnomAD compares: Non-Finnish European, 0.044%; no homozygotes.

Submissions (6):

Labcorp Genetics (formerly Invitae), Labcorp
Classification: Likely benign for Brown-Vialetto-van Laere syndrome 1. Last evaluated: 2026-01-04. Review status: criteria provided, single submitter. Criteria: Invitae Variant Classification Sherloc (09022015). Collection method: clinical testing. Allele origin: germline.

PreventionGenetics, part of Exact Sciences
Classification: Likely benign for SLC52A3-related condition. Last evaluated: 2025-05-19. Review status: criteria provided, single submitter. Criteria: ACMG Guidelines, 2015. Collection method: clinical testing. Allele origin: germline.
Comment: This variant is classified as likely benign based on ACMG/AMP sequence variant interpretation guidelines (Richards et al. 2015 PMID: 25741868, with internal and published modifications).

Mayo Clinic Laboratories, Mayo Clinic
Classification: Likely benign. Last evaluated: 2025-02-26. Review status: criteria provided, single submitter. Criteria: ACMG Guidelines, 2015. Collection method: clinical testing. Allele origin: germline. Observed: 2 variant alleles.
Comment: BP4, BP7

Blueprint Genetics
Classification: Likely benign. Last evaluated: 2024-07-16. Review status: criteria provided, single submitter. Criteria: ACMG Guidelines, 2015. Collection method: clinical testing. Allele origin: germline.

GeneDx
Classification: Likely benign. Last evaluated: 2020-01-06. Review status: criteria provided, single submitter. Criteria: GeneDx Variant Classification Process June 2021. Collection method: clinical testing. Allele origin: germline. Affected: yes.

Ambry Genetics
Classification: Likely benign for Inborn genetic diseases. Last evaluated: 2019-07-11. Review status: criteria provided, single submitter. Criteria: Ambry Variant Classification Scheme 2023. Collection method: clinical testing. Allele origin: germline.